The following is an entry in ClinVar:

ClinVar aggregate classification (germline): Uncertain significance (1 of 4 stars; one submission).

Conditions:
Inborn genetic diseases. Identifiers: MedGen C0950123, MeSH D030342.

Submission:

Ambry Genetics
Classification: Uncertain significance for Inborn genetic diseases. Last evaluated: 2025-10-16. Review status: criteria provided, single submitter. Criteria: Ambry Variant Classification Scheme 2023. Collection method: clinical testing. Allele origin: germline.
Comment: The p.H320P variant (also known as c.959A>C), located in coding exon 5 of the RECQL4 gene, results from an A to C substitution at nucleotide position 959. The histidine at codon 320 is replaced by proline, an amino acid with similar properties. This amino acid position is conserved. In addition, this alteration is predicted to be tolerated by in silico analysis. Based on the available evidence, the clinical significance of this variant remains unclear.

NM_004260.4(RECQL4):c.959A>C (p.His320Pro)

Gene: RECQL4 (RecQ like helicase 4; minus strand). Cytogenetic location: 8q24.3.
Variant type: single nucleotide variant.
Coding change: c.959A>C on transcript NM_004260.4 (MANE Select); coding-DNA position 959, A replaced by C.
Protein change: p.His320Pro; replaces histidine 320 with proline.
Molecular consequence: missense variant. On other transcripts: 5 prime UTR variant (16), non-coding transcript variant (3), intron variant (3).
Genome position (GRCh38, 1-based): chr8:144,516,160, T>G on the plus strand (A>C on the coding strand, the complement: RECQL4 is on the minus strand). VCF-style: chr8-144516160-T-G. GRCh37 (hg19) VCF-style: chr8-145741544-T-G.
Other names: c.-113A>C (NM_001413022.1, NM_001413023.1, NM_001413024.1 and 7 more transcripts); c.830A>C, p.His277Pro (NM_001413025.1); c.-175A>C (NM_001413027.1, NM_001413030.1, NM_001413031.1 and 2 more transcripts); c.608A>C, p.His203Pro (NM_001413029.1); c.959A>C, p.His320Pro (NM_001413033.1, NM_001413036.1, NM_001413039.1 and 2 more transcripts); c.-382A>C (NM_001413043.1); c.953+6A>C (NM_001413017.1, NM_001413020.1); c.-23+6A>C (NM_001413034.1); short protein forms H203P, H320P, H277P.
Identifiers: ClinVar variation 4628955 (VCV004628955.1).